The following is an entry in ClinVar:

NM_001164508.2(NEB):c.24911_24914dup (p.Phe8305fs)

Genes: NEB (nebulin; minus strand), RIF1 (replication timing regulatory factor 1; plus strand). Cytogenetic location: 2q23.3.
Variant type: Duplication.
Coding change: c.24911_24914dup on transcript NM_001164508.2 (MANE Select); coding-DNA positions 24911 to 24914, 4 bases duplicated (GCTT; older notation c.24911_24914dupGCTT).
Protein change: p.Phe8305fs; shifts the reading frame from phenylalanine 8305.
Molecular consequence: frameshift variant.
Genome position (GRCh38, 1-based): chr2:151,492,241-151,492,244, AAGC duplicated on the plus strand (GCTT on the coding strand, the reverse complement: NEB is on the minus strand); duplicating any 4 consecutive bases within chr2:151,492,241-151,492,246 gives the same sequence; the c. name uses the placement nearest the transcript's 3' end. VCF-style (leftmost placement, unchanged base first): chr2-151492240-G-GAAGC. GRCh37 (hg19) VCF-style: chr2-152348754-G-GAAGC.
Other names: c.24911_24914dup, p.Phe8305fs (NM_001164507.2); c.25016_25019dup, p.Phe8340fs (NM_001271208.2); c.19343_19346dup, p.Phe6449fs (NM_004543.5); short protein forms F6449fs, F8305fs, F8340fs.
Identifiers: ClinVar variation 1696187 (VCV001696187.1), dbSNP rs2152822941, ClinGen allele CA2580063956.

ClinVar aggregate classification (germline): Likely pathogenic (1 of 4 stars; one submission).

Conditions:
Nemaline myopathy. Also called: Myopathies, Nemaline. Identifiers: Orphanet 607, MedGen C0206157, MONDO:0018958.

Submission:

Women's Health and Genetics/Laboratory Corporation of America, LabCorp
Classification: Likely pathogenic for Nemaline myopathy. Last evaluated: 2022-05-17. Review status: criteria provided, single submitter. Criteria: LabCorp Variant Classification Summary - May 2015. Collection method: clinical testing. Allele origin: germline.
Comment: Variant summary: NEB c.25016_25019dupGCTT (p.Phe8340LeufsX12) results in a premature termination codon, predicted to cause a truncation of the encoded protein or absence of the protein due to nonsense mediated decay, which are commonly known mechanisms for disease. Truncations downstream of this position have been classified as pathogenic by our laboratory. The variant was absent in 248848 control chromosomes. To our knowledge, no occurrence of c.25016_25019dupGCTT in individuals affected with Nemaline Myopathy 2 and no experimental evidence demonstrating its impact on protein function have been reported. No clinical diagnostic laboratories have submitted clinical-significance assessments for this variant to ClinVar after 2014. Based on the evidence outlined above, the variant was classified as likely pathogenic.